The following is an entry in ClinVar:

NM_000038.6(APC):c.88A>G (p.Asn30Asp)

Gene: APC (APC regulator of Wnt signaling pathway; plus strand). Cytogenetic location: 5q22.2.
Variant type: single nucleotide variant.
Coding change: c.88A>G on transcript NM_000038.6 (MANE Select); coding-DNA position 88, A replaced by G.
Protein change: p.Asn30Asp; replaces asparagine 30 with aspartic acid.
Molecular consequence: missense variant. On other transcripts: 5 prime UTR variant (1), intron variant (8).
Genome position (GRCh38, 1-based): chr5:112,754,978, A>G. VCF-style: chr5-112754978-A-G. GRCh37 (hg19) VCF-style: chr5-112090675-A-G.
Other names: c.88A>G, p.Asn30Asp (NM_001127510.3, NM_001354895.2, NM_001354896.2 and 2 more transcripts); c.-948A>G (NM_001354906.2); c.166-11348A>G (NM_001354897.2, NM_001354902.2, NM_001127511.3); c.61-11348A>G (NM_001354898.2, NM_001354904.2); c.-42-11348A>G (NM_001354900.2, NM_001354901.2, NM_001354905.2); short protein forms N30D.
Identifiers: ClinVar variation 849840 (VCV000849840.12), dbSNP rs1754795045, ClinGen allele CA16021532.

ClinVar aggregate classification (germline): Uncertain significance. Review status: criteria provided, multiple submitters, no conflicts (2 of 4 stars). 2 submissions from 2 submitters: Uncertain significance (2). Last evaluated 2024-04-16.

Conditions:
Classic or attenuated familial adenomatous polyposis. Identifiers: MedGen CN372698, MONDO:0021057.
Familial adenomatous polyposis 1 (FAP1). Also called: FAMILIAL ADENOMATOUS POLYPOSIS 1, ATTENUATED; POLYPOSIS, ADENOMATOUS INTESTINAL. Identifiers: MedGen C2713442, MONDO:0021056, OMIM 175100. Disease mechanism: loss of function.

Allele frequency attached by ClinVar (database versions not stated): gnomAD exomes below 0.00001.
gnomAD v4.1: 1 of 1,613,754 alleles (0.000062%); highest among the groups gnomAD compares: Non-Finnish European, 0.000085%; no homozygotes.

Submissions (2):

All of Us Research Program, National Institutes of Health
Classification: Uncertain significance for Classic or attenuated familial adenomatous polyposis. Last evaluated: 2024-04-16. Review status: criteria provided, single submitter. Criteria: ACMG Guidelines, 2015. Collection method: clinical testing. Allele origin: germline. Inheritance: Autosomal dominant inheritance. Observed: 1 variant allele, 1 heterozygote.
Comment: This missense variant replaces asparagine with aspartic acid at codon 30 of the APC protein. Computational prediction suggests that this variant may not impact protein structure and function (internally defined REVEL score threshold <= 0.5, PMID: 27666373). To our knowledge, functional studies have not been reported for this variant. This variant has not been reported in individuals affected with APC-related disorders in the literature. This variant has not been identified in the general population by the Genome Aggregation Database (gnomAD). The available evidence is insufficient to determine the role of this variant in disease conclusively. Therefore, this variant is classified as a Variant of Uncertain Significance.

This study involves interpretation of variants in research participants for the purpose of population health screening. Participant phenotype was not available at the time of variant classification. Additional details can be found in publication PMID: 35346344, PMCID: PMC8962531

Labcorp Genetics (formerly Invitae), Labcorp
Classification: Uncertain significance for Familial adenomatous polyposis 1. Last evaluated: 2019-04-10. Review status: criteria provided, single submitter. Criteria: Invitae Variant Classification Sherloc (09022015). Collection method: clinical testing. Allele origin: germline.
Comment: This variant is not present in population databases (ExAC no frequency). This sequence change replaces asparagine with aspartic acid at codon 30 of the APC protein (p.Asn30Asp). The asparagine residue is highly conserved and there is a small physicochemical difference between asparagine and aspartic acid. This variant has not been reported in the literature in individuals with APC-related conditions. Algorithms developed to predict the effect of missense changes on protein structure and function are either unavailable or do not agree on the potential impact of this missense change (SIFT: "Tolerated"; PolyPhen-2: "Probably Damaging"; Align-GVGD: "Class C0"). In summary, the available evidence is currently insufficient to determine the role of this variant in disease. Therefore, it has been classified as a Variant of Uncertain Significance.